The following is an entry in ClinVar:

NM_000326.5(RLBP1):c.*380C>T

Gene: RLBP1 (retinaldehyde binding protein 1; minus strand). Cytogenetic location: 15q26.1.
Variant type: single nucleotide variant.
Coding change: c.*380C>T on transcript NM_000326.5 (MANE Select); 380 bases downstream of the stop codon, C replaced by T.
Molecular consequence: 3 prime UTR variant.
Genome position (GRCh38, 1-based): chr15:89,209,905, G>A on the plus strand (C>T on the coding strand, the complement: RLBP1 is on the minus strand). VCF-style: chr15-89209905-G-A. GRCh37 (hg19) VCF-style: chr15-89753136-G-A.
Identifiers: ClinVar variation 317224 (VCV000317224.5), dbSNP rs115275013, ClinGen allele CA10642623.

ClinVar aggregate classification (germline): Benign/Likely benign. Review status: criteria provided, single submitter (1 of 4 stars). 3 submissions from 1 submitter: Benign (1); Likely benign (2). Last evaluated 2018-01-12.

Conditions:
Newfoundland cone-rod dystrophy. Identifiers: MedGen C1843815, MONDO:0011839, OMIM 607476.
Retinitis pigmentosa (RP). Identifiers: Orphanet 791, MedGen C0035334, MeSH D012174, MONDO:0019200, OMIM 268000. Inheritance: Autosomal dominant, autosomal recessive and X linked inheritance.
Pigmentary retinal dystrophy. Also called: Fundus albipunctatus. Identifiers: Orphanet 227796, Orphanet 52427, MedGen C0311338, MONDO:0007639, OMIM 136880, HP:0030642.

Allele frequency attached by ClinVar (database versions not stated): gnomAD exomes 0.00117; gnomAD 0.01052 and 0.01130; TOPMed 0.01142; 1000 Genomes Project 30x 0.01312; 1000 Genomes Project 0.01318.
gnomAD v4.1: 1,761 of 295,274 alleles (0.6%); highest among the groups gnomAD compares: African/African-American, 3.5%; 36 homozygotes.

Submissions (3):

Illumina Laboratory Services, Illumina
Classification: Likely benign for Retinitis pigmentosa. Last evaluated: 2018-01-12. Review status: criteria provided, single submitter. Criteria: ICSL Variant Classification Criteria 13 December 2019. Collection method: clinical testing. Allele origin: germline.
Comment: This variant was observed in the ICSL laboratory as part of a predisposition screen in an ostensibly healthy population. It had not been previously curated by ICSL or reported in the Human Gene Mutation Database (HGMD: prior to June 1st, 2018), and was therefore a candidate for classification through an automated scoring system. Utilizing variant allele frequency, disease prevalence and penetrance estimates, and inheritance mode, an automated score was calculated to assess if this variant is too frequent to cause the disease. Based on the score and internal cut-off values, a variant classified as likely benign is not then subjected to further curation. The score for this variant resulted in a classification of likely benign for this disease.

Illumina Laboratory Services, Illumina
Classification: Benign for Newfoundland cone-rod dystrophy. Last evaluated: 2018-01-12. Review status: criteria provided, single submitter. Criteria: ICSL Variant Classification Criteria 13 December 2019. Collection method: clinical testing. Allele origin: germline.
Comment: This variant was observed in the ICSL laboratory as part of a predisposition screen in an ostensibly healthy population. It had not been previously curated by ICSL or reported in the Human Gene Mutation Database (HGMD: prior to June 1st, 2018), and was therefore a candidate for classification through an automated scoring system. Utilizing variant allele frequency, disease prevalence and penetrance estimates, and inheritance mode, an automated score was calculated to assess if this variant is too frequent to cause the disease. Based on the score and internal cut-off values, a variant classified as benign is not then subjected to further curation. The score for this variant resulted in a classification of benign for this disease.

Illumina Laboratory Services, Illumina
Classification: Likely benign for Pigmentary retinal dystrophy. Last evaluated: 2018-01-12. Review status: criteria provided, single submitter. Criteria: ICSL Variant Classification Criteria 13 December 2019. Collection method: clinical testing. Allele origin: germline.
Comment: the same text as in the submission from Illumina Laboratory Services, Illumina above.